The following is an entry in ClinVar:

ClinVar aggregate classification (germline): Pathogenic/Likely pathogenic. Review status: criteria provided, multiple submitters, no conflicts (2 of 4 stars). 7 submissions from 6 submitters: Pathogenic (1); Likely pathogenic (6). Last evaluated 2025-07-28.

Conditions:
Cystic fibrosis (CF). Also called: MUCOVISCIDOSIS. Identifiers: Orphanet 586, MedGen C0010674, MONDO:0009061, OMIM 219700. Disease mechanism: loss of function.
Congenital bilateral aplasia of vas deferens from CFTR mutation (CBAVD). Identifiers: Orphanet 48, MedGen C0403814, MONDO:0010178, OMIM 277180. Disease mechanism: loss of function.
CFTR-related disorder (CFTR-RD). Also called: CFTR-related disorders; CFTR-related condition. Identifiers: MedGen C5924204, MONDO:7770004.
Bronchiectasis with or without elevated sweat chloride 1 (BESC1). Also called: Cystic Fibrosis-Like Syndrome. Identifiers: Orphanet 60033, MedGen C2749757, MONDO:0008887, OMIM 211400.

gnomAD v4.1: 1 of 1,613,552 alleles (0.000062%); highest among the groups gnomAD compares: Middle Eastern, 0.017%; no homozygotes.

Submissions (7):

Women's Health and Genetics/Laboratory Corporation of America, LabCorp
Classification: Likely pathogenic for Cystic fibrosis. Last evaluated: 2025-07-28. Review status: criteria provided, single submitter. Criteria: LabCorp Variant Classification Summary - May 2015. Collection method: clinical testing. Allele origin: germline.
Comment: Variant summary: CFTR c.3107C>T (p.Thr1036Ile) results in a non-conservative amino acid change located in the ABC transporter type 1, transmembrane domain (IPR011527) of the encoded protein sequence. Algorithms developed to predict the effect of missense changes on protein structure and function all suggest that this variant is likely to be disruptive. The variant was absent in 250950 control chromosomes. c.3107C>T has been reported in the literature as a biallelic genotype in individuals affected with Cystic Fibrosis (e.g. Alibakhshi_2008, Sobczynska-Tomaszewska_2013, Zybert_2020) and in one heterozygous individual for which a second allele was not identified (Sahami_2014). A different variant affecting the same codon has been classified as pathogenic by our lab (c.3107C>A, p.Thr1036Asn), supporting the critical relevance of codon 1036 to CFTR protein function. To our knowledge, no experimental evidence demonstrating an impact on protein function has been reported. The following publications have been ascertained in the context of this evaluation (PMID: 17662673, 22892530, 24696795, 32442342). ClinVar contains an entry for this variant (Variation ID: 618964). Based on the evidence outlined above, the variant was classified as likely pathogenic.

Labcorp Genetics (formerly Invitae), Labcorp
Classification: Pathogenic for Cystic fibrosis. Last evaluated: 2025-06-12. Review status: criteria provided, single submitter. Criteria: Invitae Variant Classification Sherloc (09022015). Collection method: clinical testing. Allele origin: germline.
Comment: This sequence change replaces threonine, which is neutral and polar, with isoleucine, which is neutral and non-polar, at codon 1036 of the CFTR protein (p.Thr1036Ile). This variant is not present in population databases (gnomAD no frequency). This missense change has been observed in individual(s) with cystic fibrosis (PMID: 17662673, 22892530, 24696795, 32442342). ClinVar contains an entry for this variant (Variation ID: 618964). Invitae Evidence Modeling of protein sequence and biophysical properties (such as structural, functional, and spatial information, amino acid conservation, physicochemical variation, residue mobility, and thermodynamic stability) has been performed for this missense variant. However, the output from this modeling did not meet the statistical confidence thresholds required to predict the impact of this variant on CFTR protein function. This variant disrupts the p.Thr1036 amino acid residue in CFTR. Other variant(s) that disrupt this residue have been determined to be pathogenic (PMID: 16189704, 27214204, 32429104; internal data). This suggests that this residue is clinically significant, and that variants that disrupt this residue are likely to be disease-causing. For these reasons, this variant has been classified as Pathogenic.

Natera, Inc.
Classification: Likely pathogenic for CFTR-related disorders. Last evaluated: 2025-06-06. Review status: criteria provided, single submitter. Criteria: Natera Variant Classification Schema (03/2026). Collection method: clinical testing. Allele origin: germline.
Comment: The c.3107C>T variant in CFTR is a missense variant predicted to cause substitution of threonine to isoleucine at amino acid 1036. This variant is rare in the general population with a frequency below the threshold expected for the associated phenotype(s). This variant has been observed in one or more individuals affected with the associated recessive disease, as either homozygous or compound heterozygous with a second variant (PMID: 39372621, 32442342, 17242497). A different variant at the same position has been determined to be Pathogenic or Likely Pathogenic. Computational prediction algorithms indicate this variant is likely to affect gene or protein function. Given the available evidence, this variant is classified as Likely Pathogenic.

Ambry Genetics
Classification: Likely pathogenic for Cystic fibrosis. Last evaluated: 2025-04-01. Review status: criteria provided, single submitter. Criteria: Ambry Variant Classification Scheme 2023. Collection method: clinical testing. Allele origin: germline.
Comment: The p.T1036I variant (also known as c.3107C>T), located in coding exon 19 of the CFTR gene, results from a C to T substitution at nucleotide position 3107. The threonine at codon 1036 is replaced by isoleucine, an amino acid with similar properties. This variant has been identified in the homozygous state and/or in conjunction with other CFTR variant(s) in individual(s) who met clinical criteria for cystic fibrosis (Alibakhshi R, J. Cyst. Fibros. 2008 Mar; 7(2):102-9; Sahami A, J Reprod Infertil 2014 Jan; 15(1):49-56; Zybert K et al. Pediatr Pulmonol, 2020 Aug;55:2097-2107). Other variant(s) at the same codon, p.T1036N (c.3107C>A) have been identified in individual(s) with features consistent with cystic fibrosis (McGinniss MJ, Hum. Genet. 2005 Dec; 118(3-4):331-8). This amino acid position is highly conserved in available vertebrate species. In addition, this alteration is predicted to be deleterious by in silico analysis. This variant is considered to be rare based on population cohorts in the Genome Aggregation Database (gnomAD). Based on the majority of available evidence to date, this variant is likely to be pathogenic.

Mendelics
Classification: Likely pathogenic for Cystic fibrosis. Last evaluated: 2024-05-23. Review status: criteria provided, single submitter. Criteria: Mendelics Assertion Criteria 2017. Collection method: clinical testing. Allele origin: unknown. Affected: yes.

Baylor Genetics
Classification: Likely pathogenic for Bronchiectasis with or without elevated sweat chloride 1. Last evaluated: 2023-10-18. Review status: criteria provided, single submitter. Criteria: ACMG Guidelines, 2015. Collection method: clinical testing. Allele origin: unknown.

Baylor Genetics
Classification: Likely pathogenic for Congenital bilateral aplasia of vas deferens from CFTR mutation; Cystic fibrosis. Review status: criteria provided, single submitter. Criteria: ACMG Guidelines, 2015. Collection method: clinical testing. Allele origin: germline.

Literature cited by the submitters: PubMed 17662673 (cited by 3 submitters); PubMed 22892530 (cited by Women's Health and Genetics/Laboratory Corporation of America, LabCorp and Labcorp Genetics (formerly Invitae), Labcorp); PubMed 24696795 (cited by 3 submitters); PubMed 32442342 (cited by 4 submitters); PubMed 16189704 (cited by Labcorp Genetics (formerly Invitae), Labcorp and Ambry Genetics); PubMed 27214204 (cited by Labcorp Genetics (formerly Invitae), Labcorp); PubMed 32429104 (cited by Labcorp Genetics (formerly Invitae), Labcorp); PubMed 39372621 (cited by Natera, Inc.); PubMed 17242497 (cited by Natera, Inc.).

NM_000492.4(CFTR):c.3107C>T (p.Thr1036Ile)

Genes: CFTR (CF transmembrane conductance regulator; plus strand), CFTR-AS2 (CFTR antisense RNA 2; minus strand), LOC111674472 (DNase I hypersensitive sites in introns 16 and 17a of CFTR; plus strand). Cytogenetic location: 7q31.2.
Variant type: single nucleotide variant.
Coding change: c.3107C>T on transcript NM_000492.4 (MANE Select); coding-DNA position 3107, C replaced by T.
Protein change: p.Thr1036Ile; replaces threonine 1036 with isoleucine.
Molecular consequence: missense variant.
Genome position (GRCh38, 1-based): chr7:117,610,637, C>T. VCF-style: chr7-117610637-C-T. GRCh37 (hg19) VCF-style: chr7-117250691-C-T.
Other names: short protein forms T1036I.
Identifiers: ClinVar variation 618964 (VCV000618964.17), dbSNP rs397508498, ClinGen allele CA368990798.
Genomic context (GRCh38, chr7:117,610,637, plus strand): 5'-TTGTTGCAACAGTGCCAGTGATAGTGGCTTTTATTATGTTGAGAGCATATTTCCTCCAAA[C>T]CTCACAGCAACTCAAACAACTGGAATCTGAAGGTATGACAGTGAATGTGCGATACTCATC-3'
Protein context (NP_000483.3, residues 1026-1046): FIMLRAYFLQ[Thr1036Ile]SQQLKQLESE